The following is an entry in ClinVar:

ClinVar aggregate classification (germline): Uncertain significance. Review status: criteria provided, multiple submitters, no conflicts (2 of 4 stars). 2 submissions from 2 submitters: Uncertain significance (2). Last evaluated 2025-11-19.

gnomAD v4.1: 46 of 1,612,818 alleles (0.0029%); highest among the groups gnomAD compares: Admixed American, 0.012%; no homozygotes.

Submissions (2):

Ambry Genetics
Classification: Uncertain significance. Last evaluated: 2025-11-19. Review status: criteria provided, single submitter. Criteria: Ambry Variant Classification Scheme 2023. Collection method: clinical testing. Allele origin: germline.

Labcorp Genetics (formerly Invitae), Labcorp
Classification: Uncertain significance. Last evaluated: 2024-07-23. Review status: criteria provided, single submitter. Criteria: Invitae Variant Classification Sherloc (09022015). Collection method: clinical testing. Allele origin: germline.
Comment: This sequence change replaces alanine, which is neutral and non-polar, with aspartic acid, which is acidic and polar, at codon 1819 of the ZDBF2 protein (p.Ala1819Asp). This variant is present in population databases (rs373723284, gnomAD 0.009%). This variant has not been reported in the literature in individuals affected with ZDBF2-related conditions. ClinVar contains an entry for this variant (Variation ID: 2601459). An algorithm developed to predict the effect of missense changes on protein structure and function outputs the following: PolyPhen-2: "Possibly Damaging". The aspartic acid amino acid residue is found in multiple mammalian species, which suggests that this missense change does not adversely affect protein function. In summary, the available evidence is currently insufficient to determine the role of this variant in disease. Therefore, it has been classified as a Variant of Uncertain Significance.

NM_020923.3(ZDBF2):c.5456C>A (p.Ala1819Asp)

Gene: ZDBF2 (zinc finger DBF-type containing 2; plus strand). Cytogenetic location: 2q33.3.
Variant type: single nucleotide variant.
Coding change: c.5456C>A on transcript NM_020923.3 (MANE Select); coding-DNA position 5456, C replaced by A.
Protein change: p.Ala1819Asp; replaces alanine 1819 with aspartic acid.
Molecular consequence: missense variant.
Genome position (GRCh38, 1-based): chr2:206,309,984, C>A. VCF-style: chr2-206309984-C-A. GRCh37 (hg19) VCF-style: chr2-207174708-C-A.
Other names: c.5450C>A, p.Ala1817Asp (NM_001285549.2); c.5456C>A, p.Ala1819Asp (NM_001369654.1); short protein forms A1819D, A1817D.
Identifiers: ClinVar variation 2601459 (VCV002601459.5), dbSNP rs373723284, ClinGen allele CA2072475.
Genomic context (GRCh38, chr2:206,309,984, plus strand): 5'-GGAACCTGAAAAAAGCAAAGGATGTCATAGAGGATAATCCTGATGAACCAGTTCTTGAAG[C>A]CTTGCCTCATGTACCTCCTTCATTTGTGGGGAAAACATGGTCTCAGATAATGAGAGAAGA-3'
Protein context (NP_065974.1, residues 1809-1829): EDNPDEPVLE[Ala1819Asp]LPHVPPSFVG